The following is an entry in ClinVar:

NM_177924.5(ASAH1):c.381A>G (p.Leu127=)

Gene: ASAH1 (N-acylsphingosine amidohydrolase 1; minus strand). Cytogenetic location: 8p22.
Variant type: single nucleotide variant.
Coding change: c.381A>G on transcript NM_177924.5 (MANE Select); coding-DNA position 381, A replaced by G.
Protein change: p.Leu127=; no amino-acid change (leucine 127 retained).
Molecular consequence: synonymous variant.
Genome position (GRCh38, 1-based): chr8:18,067,221, T>C on the plus strand (A>G on the coding strand, the complement: ASAH1 is on the minus strand). VCF-style: chr8-18067221-T-C. GRCh37 (hg19) VCF-style: chr8-17924730-T-C.
Other names: c.363A>G, p.Leu121= (NM_001127505.3); c.186A>G, p.Leu62= (NM_001363743.2); c.429A>G, p.Leu143= (NM_004315.6).
Identifiers: ClinVar variation 707456 (VCV000707456.42), dbSNP rs376826383, ClinGen allele CA4650896.
Genomic context (GRCh38, chr8:18,067,221, plus strand): 5'-TGGAAACTTGTAAAAGAATTTAATTACTTTTTTTTTTAAAGCTTCTAAGTGAACTTTACC[T>C]AAAGGTATATCAGTAACAGCGGCAATACCCTTCATTTCCTCTTCAAAAGGGCCAGGAAAG-3'
Protein context (NP_808592.2, residues 117-137): KGIAAVTDIP[Leu127=]GEIISFNIFY

ClinVar aggregate classification (germline): Likely benign. Review status: criteria provided, multiple submitters, no conflicts (2 of 4 stars). 3 submissions from 3 submitters: Likely benign (3). Last evaluated 2026-02-01.

Allele frequency attached by ClinVar (database versions not stated): gnomAD 0.00001 and 0.00029; TOPMed 0.00003; ESP Exome Variant Server 0.00008; gnomAD exomes 0.00036 and 0.00074; ExAC 0.00091; 1000 Genomes Project 30x 0.00312; 1000 Genomes Project 0.00319.
gnomAD v4.1: 572 of 1,597,180 alleles (0.036%); highest among the groups gnomAD compares: South Asian, 0.59%; 5 homozygotes.

Submissions (5):

Labcorp Genetics (formerly Invitae), Labcorp
Classification: Likely benign. Last evaluated: 2026-02-01. Review status: criteria provided, single submitter. Criteria: Invitae Variant Classification Sherloc (09022015). Collection method: clinical testing. Allele origin: germline.

CeGaT Center for Human Genetics Tuebingen
Classification: Likely benign. Last evaluated: 2022-03-01. Review status: criteria provided, single submitter. Criteria: CeGaT Center For Human Genetics Tuebingen Variant Classification Criteria Version 2. Collection method: clinical testing. Allele origin: germline. Affected: yes. Observed: 1 variant allele.
Comment: ASAH1: BP4, BP7

Breakthrough Genomics
Classification: Likely benign. Review status: criteria provided, single submitter. Criteria: ACMG Guidelines, 2015. Collection method: not provided. Allele origin: germline. Inheritance: Autosomal recessive inheritance. Affected: yes.

Dr. Peter K. Rogan Lab, Western University
No classification provided (evidence only). Condition: Uterine corpus endometrial carcinoma. Review status: no classification provided. Collection method: in vitro. Allele origin: not applicable. Functional consequence: retained intron. Not counted in ClinVar's aggregate classification.

Dr. Peter K. Rogan Lab, Western University
No classification provided (evidence only). Condition: Ovarian cancer. Review status: no classification provided. Collection method: in vitro. Allele origin: not applicable. Functional consequence: retained intron. Not counted in ClinVar's aggregate classification.